The following is an entry in ClinVar:

ClinVar aggregate classification (germline): Conflicting classifications of pathogenicity. Review status: criteria provided, conflicting classifications (1 of 4 stars). 2 submissions from 2 submitters: Uncertain significance (1); Likely benign (1). Last evaluated 2025-12-16.

Conditions:
Hereditary cancer-predisposing syndrome. Also called: Hereditary Cancer Syndrome; Tumor predisposition; Neoplastic Syndromes, Hereditary; Hereditary neoplastic syndrome. Identifiers: Orphanet 140162, MedGen C0027672, MeSH D009386, MONDO:0015356.
Tuberous sclerosis 1 (TSC1). Identifiers: Orphanet 805, MedGen C1854465, MONDO:0008612, OMIM 191100.

Allele frequency attached by ClinVar (database versions not stated): gnomAD exomes below 0.00001.
gnomAD v4.1: 2 of 1,614,216 alleles (0.00012%); highest among the groups gnomAD compares: Non-Finnish European, 0.00017%; no homozygotes.

Submissions (2):

Ambry Genetics
Classification: Likely benign for Hereditary cancer-predisposing syndrome. Last evaluated: 2025-12-16. Review status: criteria provided, single submitter. Criteria: Ambry Variant Classification Scheme 2023. Collection method: clinical testing. Allele origin: germline.

Labcorp Genetics (formerly Invitae), Labcorp
Classification: Uncertain significance for Tuberous sclerosis 1. Last evaluated: 2022-11-02. Review status: criteria provided, single submitter. Criteria: Invitae Variant Classification Sherloc (09022015). Collection method: clinical testing. Allele origin: germline.
Comment: In summary, the available evidence is currently insufficient to determine the role of this variant in disease. Therefore, it has been classified as a Variant of Uncertain Significance. Advanced modeling of protein sequence and biophysical properties (such as structural, functional, and spatial information, amino acid conservation, physicochemical variation, residue mobility, and thermodynamic stability) performed at Invitae indicates that this missense variant is not expected to disrupt TSC1 protein function. ClinVar contains an entry for this variant (Variation ID: 864829). This variant has not been reported in the literature in individuals affected with TSC1-related conditions. This variant is not present in population databases (gnomAD no frequency). This sequence change replaces aspartic acid, which is acidic and polar, with asparagine, which is neutral and polar, at codon 972 of the TSC1 protein (p.Asp972Asn).

NM_000368.5(TSC1):c.2914G>A (p.Asp972Asn)

Gene: TSC1 (TSC complex subunit 1; minus strand). Cytogenetic location: 9q34.13.
Variant type: single nucleotide variant.
Coding change: c.2914G>A on transcript NM_000368.5 (MANE Select); coding-DNA position 2914, G replaced by A.
Protein change: p.Asp972Asn; replaces aspartic acid 972 with asparagine.
Molecular consequence: missense variant.
Genome position (GRCh38, 1-based): chr9:132,897,245, C>T on the plus strand (G>A on the coding strand, the complement: TSC1 is on the minus strand). VCF-style: chr9-132897245-C-T. GRCh37 (hg19) VCF-style: chr9-135772632-C-T.
Other names: c.2911G>A, p.Asp971Asn (NM_001162426.2); c.2761G>A, p.Asp921Asn (NM_001162427.2); c.2551G>A, p.Asp851Asn (NM_001362177.2); short protein forms D972N, D851N, D971N, D921N.
Identifiers: ClinVar variation 864829 (VCV000864829.11), dbSNP rs1845122540, ClinGen allele CA375368541.